The following is an entry in ClinVar:

NM_001165963.4(SCN1A):c.2177-4C>A

Gene: SCN1A (sodium voltage-gated channel alpha subunit 1; minus strand). Cytogenetic location: 2q24.3.
Variant type: single nucleotide variant.
Coding change: c.2177-4C>A on transcript NM_001165963.4 (MANE Select); 4 bases into the intron before coding-DNA position 2177, C replaced by A.
Molecular consequence: intron variant.
Genome position (GRCh38, 1-based): chr2:166,041,473, G>T on the plus strand (C>A on the coding strand, the complement: SCN1A is on the minus strand). VCF-style: chr2-166041473-G-T. GRCh37 (hg19) VCF-style: chr2-166897983-G-T.
Other names: c.2144-4C>A (NM_001353949.2, NM_001353950.2, NM_001353951.2 and 2 more transcripts); c.2093-4C>A (NM_001353958.2, NM_001353957.2, NM_001165964.3); c.2177-4C>A (NM_001202435.3, NM_001353948.2); c.2141-4C>A (NM_001353955.2, NM_001353954.2); c.2090-4C>A (NM_001353960.2); c.-282-4C>A (NM_001353961.2).
Identifiers: ClinVar variation 1787192 (VCV001787192.2), dbSNP rs775006816, ClinGen allele CA1943150.
Genomic context (GRCh38, chr2:166,041,473, plus strand): 5'-ATATGTTGGAAAATTTATACCAACAGGGTGGGCATTTCTGCCTGGATTCTTCAAGTTCTA[G>T]ATTAAGAAAAAAAAAAAAAAGAACCACCAAAAGGTATACTTTATACACACACATTTATTT-3'

ClinVar aggregate classification (germline): Uncertain significance (1 of 4 stars; one submission).

Conditions:
Inborn genetic diseases. Identifiers: MedGen C0950123, MeSH D030342.

Submission:

Ambry Genetics
Classification: Uncertain significance for Inborn genetic diseases. Last evaluated: 2017-05-03. Review status: criteria provided, single submitter. Criteria: Ambry Variant Classification Scheme 2023. Collection method: clinical testing. Allele origin: germline.
Comment: The c.2177-4C>A intronic variant results from a C to A substitution 4 nucleotides upstream from coding exon 13 in the SCN1A gene. Using the BDGP and ESEfinder splice site prediction tools, this alteration is not predicted to have any significant effect on this splice acceptor site; however, direct evidence is unavailable. Since supporting evidence is limited at this time, the clinical significance of this alteration remains unclear.